The following is an entry in ClinVar:

ClinVar aggregate classification (germline): Uncertain significance (1 of 4 stars; one submission).

gnomAD v4.1: 236 of 1,614,076 alleles (0.015%); highest among the groups gnomAD compares: South Asian, 0.044%; 2 homozygotes.

Submission:

GeneDx
Classification: Uncertain significance. Last evaluated: 2025-04-29. Review status: criteria provided, single submitter. Criteria: GeneDx Variant Classification Process June 2021. Collection method: clinical testing. Allele origin: germline. Affected: yes.
Comment: In silico analysis indicates that this missense variant does not alter protein structure/function; Has not been previously published as pathogenic or benign to our knowledge

NM_015202.5(KATNIP):c.919G>A (p.Asp307Asn)

Gene: KATNIP (katanin interacting protein; plus strand). Cytogenetic location: 16p12.1.
Variant type: single nucleotide variant.
Coding change: c.919G>A on transcript NM_015202.5 (MANE Select); coding-DNA position 919, G replaced by A.
Protein change: p.Asp307Asn; replaces aspartic acid 307 with asparagine.
Molecular consequence: missense variant.
Genome position (GRCh38, 1-based): chr16:27,681,509, G>A. VCF-style: chr16-27681509-G-A. GRCh37 (hg19) VCF-style: chr16-27692830-G-A.
Other names: short protein forms D307N.
Identifiers: ClinVar variation 4527064 (VCV004527064.1).